The following is an entry in ClinVar:

NM_004370.6(COL12A1):c.2134C>T (p.Pro712Ser)

Gene: COL12A1 (collagen type XII alpha 1 chain; minus strand). Cytogenetic location: 6q13.
Variant type: single nucleotide variant.
Coding change: c.2134C>T on transcript NM_004370.6 (MANE Select); coding-DNA position 2134, C replaced by T.
Protein change: p.Pro712Ser; replaces proline 712 with serine.
Molecular consequence: missense variant. On other transcripts: intron variant (2).
Genome position (GRCh38, 1-based): chr6:75,180,969, G>A on the plus strand (C>T on the coding strand, the complement: COL12A1 is on the minus strand). VCF-style: chr6-75180969-G-A. GRCh37 (hg19) VCF-style: chr6-75890685-G-A.
Other names: c.2134C>T, p.Pro712Ser (NM_001424113.1, NM_001424114.1, NM_001424115.1); c.73+21751C>T (NM_001424116.1, NM_080645.3); short protein forms P712S.
Identifiers: ClinVar variation 2951518 (VCV002951518.3), dbSNP rs1769243179, ClinGen allele CA364765794.

ClinVar aggregate classification (germline): Uncertain significance (1 of 4 stars; one submission).

Conditions:
Ullrich congenital muscular dystrophy 2 (UCMD2). Identifiers: Orphanet 75840, MedGen C4225314, MONDO:0014654, OMIM 616470.
Bethlem myopathy 2 (BTHLM2). Identifiers: Orphanet 536516, Orphanet 610, MedGen C4225313, MONDO:0034022, OMIM 616471.

Submission:

Labcorp Genetics (formerly Invitae), Labcorp
Classification: Uncertain significance for Bethlem myopathy 2; Ullrich congenital muscular dystrophy 2. Last evaluated: 2024-01-26. Review status: criteria provided, single submitter. Criteria: Invitae Variant Classification Sherloc (09022015). Collection method: clinical testing. Allele origin: germline.
Comment: This sequence change replaces proline, which is neutral and non-polar, with serine, which is neutral and polar, at codon 712 of the COL12A1 protein (p.Pro712Ser). This variant is not present in population databases (gnomAD no frequency). This variant has not been reported in the literature in individuals affected with COL12A1-related conditions. Advanced modeling of protein sequence and biophysical properties (such as structural, functional, and spatial information, amino acid conservation, physicochemical variation, residue mobility, and thermodynamic stability) performed at Invitae indicates that this missense variant is not expected to disrupt COL12A1 protein function with a negative predictive value of 80%. In summary, the available evidence is currently insufficient to determine the role of this variant in disease. Therefore, it has been classified as a Variant of Uncertain Significance.